The following is an entry in ClinVar:

NM_014141.6(CNTNAP2):c.1295del (p.Gly432fs)

Gene: CNTNAP2 (contactin associated protein 2; plus strand). Cytogenetic location: 7q35.
Variant type: Deletion.
Coding change: c.1295del on transcript NM_014141.6 (MANE Select); coding-DNA position 1295, one base deleted (G; older notation c.1295delG).
Protein change: p.Gly432fs; shifts the reading frame from glycine 432.
Molecular consequence: frameshift variant.
Genome position (GRCh38, 1-based): chr7:147,132,456, G deleted; the last of 3 consecutive G bases (chr7:147,132,454-147,132,456); deleting any one gives the same sequence. VCF-style (leftmost placement, unchanged base first): chr7-147132453-TG-T. GRCh37 (hg19) VCF-style: chr7-146829545-TG-T.
Other names: short protein forms G432fs.
Identifiers: ClinVar variation 1453578 (VCV001453578.6), dbSNP rs1801395870, ClinGen allele CA1108407517.

ClinVar aggregate classification (germline): Pathogenic (1 of 4 stars; one submission).

Conditions:
Cortical dysplasia-focal epilepsy syndrome (PTHSL1). Also called: Pitt-Hopkins-like syndrome 1. Identifiers: Orphanet 163681, Orphanet 221150, MedGen C2750246, MONDO:0012400, OMIM 610042.

Submission:

Labcorp Genetics (formerly Invitae), Labcorp
Classification: Pathogenic for Cortical dysplasia-focal epilepsy syndrome. Last evaluated: 2022-07-19. Review status: criteria provided, single submitter. Criteria: Invitae Variant Classification Sherloc (09022015). Collection method: clinical testing. Allele origin: germline.
Comment: This sequence change creates a premature translational stop signal (p.Gly432Valfs*11) in the CNTNAP2 gene. It is expected to result in an absent or disrupted protein product. Loss-of-function variants in CNTNAP2 are known to be pathogenic (PMID: 19896112, 21827697, 25045150, 26843181, 27439707). For these reasons, this variant has been classified as Pathogenic. ClinVar contains an entry for this variant (Variation ID: 1453578). This variant has not been reported in the literature in individuals affected with CNTNAP2-related conditions. This variant is not present in population databases (gnomAD no frequency).

Literature cited by the submitters: PubMed 19896112; PubMed 21827697; PubMed 25045150; PubMed 26843181; PubMed 27439707.